The following is an entry in ClinVar:

NM_006258.4(PRKG1):c.1258C>T (p.His420Tyr)

Gene: PRKG1 (protein kinase cGMP-dependent 1; plus strand). Cytogenetic location: 10q21.1.
Variant type: single nucleotide variant.
Coding change: c.1258C>T on transcript NM_006258.4 (MANE Select); coding-DNA position 1258, C replaced by T.
Protein change: p.His420Tyr; replaces histidine 420 with tyrosine.
Molecular consequence: missense variant.
Genome position (GRCh38, 1-based): chr10:52,271,434, C>T. VCF-style: chr10-52271434-C-T. GRCh37 (hg19) VCF-style: chr10-54031194-C-T.
Other names: c.1213C>T, p.His405Tyr (NM_001098512.3); c.49C>T, p.His17Tyr (NM_001374781.1); short protein forms H17Y, H420Y, H405Y.
Identifiers: ClinVar variation 1762329 (VCV001762329.2), dbSNP rs1202969138, ClinGen allele CA376535359.
Genomic context (GRCh38, chr10:52,271,434, plus strand): 5'-AAAACGTTTGCAATGAAGATTCTCAAGAAACGTCACATTGTGGACACAAGACAGCAGGAG[C>T]ACATCCGCTCAGAGAAGCAGATCATGCAGGGGGCTCATTCCGATTTCATAGTGAGGTAAA-3'
Protein context (NP_006249.1, residues 410-430): RHIVDTRQQE[His420Tyr]IRSEKQIMQG

ClinVar aggregate classification (germline): Uncertain significance (1 of 4 stars; one submission).

Conditions:
Familial thoracic aortic aneurysm and aortic dissection (TAAD). Also called: Thoracic aortic aneurysms and dissections. Identifiers: Orphanet 91387, MedGen C4707243, MONDO:0019625.

Allele frequency attached by ClinVar (database versions not stated): TOPMed below 0.00001; gnomAD 0.00001.
gnomAD v4.1: 1 of 1,612,938 alleles (0.000062%); highest among the groups gnomAD compares: Non-Finnish European, 0.000085%; no homozygotes.

Submission:

Ambry Genetics
Classification: Uncertain significance for Familial thoracic aortic aneurysm and aortic dissection. Last evaluated: 2022-01-10. Review status: criteria provided, single submitter. Criteria: Ambry Variant Classification Scheme 2023. Collection method: clinical testing. Allele origin: germline.
Comment: The p.H420Y variant (also known as c.1258C>T), located in coding exon 11 of the PRKG1 gene, results from a C to T substitution at nucleotide position 1258. The histidine at codon 420 is replaced by tyrosine, an amino acid with similar properties. This amino acid position is conserved. In addition, the in silico prediction for this alteration is inconclusive. Since supporting evidence is limited at this time, the clinical significance of this alteration remains unclear.